The following is an entry in ClinVar:

NM_001365951.3(KIF1B):c.4482G>T (p.Trp1494Cys)

Gene: KIF1B (kinesin family member 1B; plus strand). Cytogenetic location: 1p36.22.
Variant type: single nucleotide variant.
Coding change: c.4482G>T on transcript NM_001365951.3 (MANE Select); coding-DNA position 4482, G replaced by T.
Protein change: p.Trp1494Cys; replaces tryptophan 1494 with cysteine.
Molecular consequence: missense variant.
Genome position (GRCh38, 1-based): chr1:10,365,215, G>T. VCF-style: chr1-10365215-G-T. GRCh37 (hg19) VCF-style: chr1-10425273-G-T.
Other names: NC_000001.10:g.10425273G>T; c.4482G>T, p.Trp1494Cys (NM_001365952.1); c.4344G>T, p.Trp1448Cys (NM_015074.3); short protein forms W1448C, W1494C.
Identifiers: ClinVar variation 4514600 (VCV004514600.3).

ClinVar aggregate classification (germline): Uncertain significance (1 of 4 stars; one submission).

Submissions (2):

Dasa
Classification: Uncertain significance. Last evaluated: 2025-12-22. Review status: criteria provided, single submitter. Criteria: DASA Assertion Criteria. Collection method: clinical testing. Allele origin: germline.
Comment: NM_001365951.3(KIF1B):c.4482G>T (p.Trp1494Cys) is a missense variant that results in the substitution of tryptophan with cysteine. This variant is rare in population databases. The currently available literature and clinical evidence are not sufficient to establish a definitive association between this variant and the reported condition. Therefore, this variant is classified as a variant of uncertain significance.

Dr. Peter K. Rogan Lab, Western University
No classification provided (evidence only). Condition: Thyroid cancer, nonmedullary, 1. Review status: no classification provided. Collection method: in vitro. Allele origin: not applicable. Functional consequence: retained intron. Not counted in ClinVar's aggregate classification.